The following is an entry in ClinVar:

ClinVar aggregate classification (germline): Uncertain significance (1 of 4 stars; one submission).

gnomAD v4.1: 3 of 1,611,286 alleles (0.00019%); highest among the groups gnomAD compares: Non-Finnish European, 0.00025%; no homozygotes.

Submission:

Labcorp Genetics (formerly Invitae), Labcorp
Classification: Uncertain significance. Last evaluated: 2025-10-31. Review status: criteria provided, single submitter. Criteria: Invitae Variant Classification Sherloc (09022015). Collection method: clinical testing. Allele origin: germline.
Comment: This sequence change replaces isoleucine, which is neutral and non-polar, with methionine, which is neutral and non-polar, at codon 544 of the ACTN1 protein (p.Ile544Met). This variant is not present in population databases (gnomAD no frequency). This variant has not been reported in the literature in individuals affected with ACTN1-related conditions. Invitae Evidence Modeling of protein sequence and biophysical properties (such as structural, functional, and spatial information, amino acid conservation, physicochemical variation, residue mobility, and thermodynamic stability) indicates that this missense variant is not expected to disrupt ACTN1 protein function with a negative predictive value of 80%. In summary, the available evidence is currently insufficient to determine the role of this variant in disease. Therefore, it has been classified as a Variant of Uncertain Significance.

NM_001130004.2(ACTN1):c.1632C>G (p.Ile544Met)

Gene: ACTN1 (actinin alpha 1; minus strand). Cytogenetic location: 14q24.1.
Variant type: single nucleotide variant.
Coding change: c.1632C>G on transcript NM_001130004.2 (MANE Select); coding-DNA position 1632, C replaced by G.
Protein change: p.Ile544Met; replaces isoleucine 544 with methionine.
Molecular consequence: missense variant.
Genome position (GRCh38, 1-based): chr14:68,884,171, G>C on the plus strand (C>G on the coding strand, the complement: ACTN1 is on the minus strand). VCF-style: chr14-68884171-G-C. GRCh37 (hg19) VCF-style: chr14-69350888-G-C.
Other names: c.1632C>G, p.Ile544Met (NM_001102.4, NM_001130005.2, NM_001424012.1 and 7 more transcripts); c.1656C>G, p.Ile552Met (NM_001411035.1, NM_001424016.1); c.1437C>G, p.Ile479Met (NM_001411036.1, NM_001424026.1, NM_001424028.1); c.1758C>G, p.Ile586Met (NM_001424013.1); c.1719C>G, p.Ile573Met (NM_001424015.1); c.1629C>G, p.Ile543Met (NM_001424017.1); c.1593C>G, p.Ile531Met (NM_001424018.1); c.1569C>G, p.Ile523Met (NM_001424020.1, NM_001424022.1); and 2 more; short protein forms I544M, I586M, I523M, I531M, I552M, I479M, I573M, I269M.
Identifiers: ClinVar variation 4745135 (VCV004745135.1).